The following is an entry in ClinVar:

NM_000059.4(BRCA2):c.8829_8830del (p.Gln2943fs)

Gene: BRCA2 (BRCA2 DNA repair associated; plus strand). Cytogenetic location: 13q13.1.
Variant type: Deletion.
Coding change: c.8829_8830del on transcript NM_000059.4 (MANE Select); coding-DNA positions 8829 to 8830, 2 bases deleted (GA; older notation c.8829_8830delGA).
Protein change: p.Gln2943fs; shifts the reading frame from glutamine 2943.
Molecular consequence: frameshift variant.
Genome position (GRCh38, 1-based): chr13:32,379,391-32,379,392, GA deleted; deleting any 2 consecutive bases within chr13:32,379,390-32,379,392 gives the same sequence; the c. name uses the placement nearest the transcript's 3' end. VCF-style (leftmost placement, unchanged base first): chr13-32379389-CAG-C. GRCh37 (hg19) VCF-style: chr13-32953526-CAG-C.
Other names: c.8829_8830delGA (NM_000059.4); short protein forms Q2943fs.
Identifiers: ClinVar variation 1454162 (VCV001454162.9), dbSNP rs2137619603, ClinGen allele CA2573149227.
Genomic context (GRCh38, chr13:32,379,389, plus strand): 5'-GAAGAGCAGTTAAGAGCCTTGAATAATCACAGGCAAATGTTGAATGATAAGAAACAAGCT[CAG>C]ATCCAGTTGGAAATTAGGAAGGCCATGGAATCTGCTGAACAAAAGGAACAAGGTTTATCA-3'

ClinVar aggregate classification (germline): Pathogenic. Review status: criteria provided, multiple submitters, no conflicts (2 of 4 stars). 4 submissions from 4 submitters: Pathogenic (4). Last evaluated 2025-05-24.

Conditions:
Hereditary cancer-predisposing syndrome. Also called: Neoplastic Syndromes, Hereditary; Hereditary Cancer Syndrome; Hereditary neoplastic syndrome; Tumor predisposition. Identifiers: Orphanet 140162, MedGen C0027672, MeSH D009386, MONDO:0015356.
Hereditary breast ovarian cancer syndrome. Also called: Hereditary breast and/or ovarian cancer syndrome; Hereditary breast and ovarian cancer syndrome (HBOC); BRCA1- and BRCA2-Associated Hereditary Breast and Ovarian Cancer; Hereditary breast and ovarian cancer; Breast and ovarian cancer; Hereditary breast and ovarian cancer syndrome. Identifiers: Orphanet 145, MedGen C0677776, MeSH D061325, MONDO:0003582. Disease mechanism: loss of function.
Breast-ovarian cancer, familial, susceptibility to, 2 (BROVCA2). Also called: BRCA2 Hereditary Breast and Ovarian Cancer. Identifiers: Orphanet 145, MedGen C2675520, MONDO:0012933, OMIM 612555. Disease mechanism: loss of function.

Submissions (4):

Dasa
Classification: Pathogenic for Breast-ovarian cancer, familial, susceptibility to, 2. Last evaluated: 2025-05-24. Review status: criteria provided, single submitter. Criteria: DASA Assertion Criteria. Collection method: clinical testing. Allele origin: germline.
Comment: NM_000059.4(BRCA2):c.8829_8830del (p.Gln2943Hisfs*6) introduces a premature termination codon predicted to result in loss of normal protein function. Loss-of-function is an established mechanism of disease for this gene. The affected residue or protein region has prior evidence supporting clinical relevance. The variant is present at low frequency in population datasets. Based on the available data, this variant is classified as pathogenic.

Women's Health and Genetics/Laboratory Corporation of America, LabCorp
Classification: Pathogenic for Hereditary breast ovarian cancer syndrome. Last evaluated: 2025-03-12. Review status: criteria provided, single submitter. Criteria: LabCorp Variant Classification Summary - May 2015. Collection method: clinical testing. Allele origin: germline.
Comment: Variant summary: BRCA2 c.8829_8830delGA (p.Gln2943HisfsX6) results in a premature termination codon, predicted to cause a truncation of the encoded protein or absence of the protein due to nonsense mediated decay, which are commonly known mechanisms for disease. The variant was absent in 250828 control chromosomes. To our knowledge, no occurrence of c.8829_8830delGA in individuals affected with Hereditary Breast And Ovarian Cancer Syndrome and no experimental evidence demonstrating its impact on protein function have been reported. ClinVar contains an entry for this variant (Variation ID: 1454162). Based on the evidence outlined above, the variant was classified as pathogenic.

Color Diagnostics, LLC DBA Color Health
Classification: Pathogenic for Hereditary cancer-predisposing syndrome. Last evaluated: 2022-03-28. Review status: criteria provided, single submitter. Criteria: ACMG Guidelines, 2015. Collection method: clinical testing. Allele origin: germline.
Comment: This variant deletes 2 nucleotides in exon 22 of the BRCA2 gene, creating a frameshift and premature translation stop signal. This variant is expected to result in an absent or non-functional protein product. To our knowledge, this variant has not been reported in individuals affected with hereditary cancer in the literature. This variant has not been identified in the general population by the Genome Aggregation Database (gnomAD). Loss of BRCA2 function is a known mechanism of disease. Based on the available evidence, this variant is classified as Pathogenic.

Labcorp Genetics (formerly Invitae), Labcorp
Classification: Pathogenic for Hereditary breast ovarian cancer syndrome. Last evaluated: 2021-12-29. Review status: criteria provided, single submitter. Criteria: Invitae Variant Classification Sherloc (09022015). Collection method: clinical testing. Allele origin: germline.
Comment: This variant has not been reported in the literature in individuals affected with BRCA2-related conditions. This variant is not present in population databases (gnomAD no frequency). This sequence change creates a premature translational stop signal (p.Gln2943Hisfs*6) in the BRCA2 gene. It is expected to result in an absent or disrupted protein product. Loss-of-function variants in BRCA2 are known to be pathogenic (PMID: 20104584). For these reasons, this variant has been classified as Pathogenic.

Literature cited by the submitters: PubMed 20104584 (cited by Labcorp Genetics (formerly Invitae), Labcorp).